The following is an entry in ClinVar:

NM_173630.4(RTTN):c.3929G>A (p.Arg1310His)

Gene: RTTN (rotatin; minus strand). Cytogenetic location: 18q22.2.
Variant type: single nucleotide variant.
Coding change: c.3929G>A on transcript NM_173630.4 (MANE Select); coding-DNA position 3929, G replaced by A.
Protein change: p.Arg1310His; replaces arginine 1310 with histidine.
Molecular consequence: missense variant.
Genome position (GRCh38, 1-based): chr18:70,092,779, C>T on the plus strand (G>A on the coding strand, the complement: RTTN is on the minus strand). VCF-style: chr18-70092779-C-T. GRCh37 (hg19) VCF-style: chr18-67760015-C-T.
Other names: c.1193G>A, p.Arg398His (NM_001318520.2); c.3929G>A (NM_173630.3); short protein forms R1310H, R398H.
Identifiers: ClinVar variation 1404508 (VCV001404508.6), dbSNP rs202141467, ClinGen allele CA8995447.
Genomic context (GRCh38, chr18:70,092,779, plus strand): 5'-AAGCAAAGAATTGTGCTCTTTGTAACACCTTTTCCCATGAAGGACATAGCATTTCCTCCA[C>T]GCTCCACATAAAAAGAAGTAATGACCTGAAAAACAAATGTAAACAATTTCATGGTGGCTT-3'
Protein context (NP_775901.3, residues 1300-1320): LEVITSFYVE[Arg1310His]GGNAMSFMGK

ClinVar aggregate classification (germline): Uncertain significance. Review status: criteria provided, multiple submitters, no conflicts (2 of 4 stars). 2 submissions from 2 submitters: Uncertain significance (2). Last evaluated 2025-01-29.

Conditions:
Inborn genetic diseases. Identifiers: MedGen C0950123, MeSH D030342.

Allele frequency attached by ClinVar (database versions not stated): gnomAD exomes 0.00010; ESP Exome Variant Server 0.00033; ExAC 0.00013.
gnomAD v4.1: 232 of 1,609,568 alleles (0.014%); highest among the groups gnomAD compares: Non-Finnish European, 0.017%; no homozygotes.

Submissions (2):

Labcorp Genetics (formerly Invitae), Labcorp
Classification: Uncertain significance. Last evaluated: 2025-01-29. Review status: criteria provided, single submitter. Criteria: Invitae Variant Classification Sherloc (09022015). Collection method: clinical testing. Allele origin: germline.
Comment: This sequence change replaces arginine, which is basic and polar, with histidine, which is basic and polar, at codon 1310 of the RTTN protein (p.Arg1310His). This variant is present in population databases (rs202141467, gnomAD 0.02%). This variant has not been reported in the literature in individuals affected with RTTN-related conditions. ClinVar contains an entry for this variant (Variation ID: 1404508). Invitae Evidence Modeling of protein sequence and biophysical properties (such as structural, functional, and spatial information, amino acid conservation, physicochemical variation, residue mobility, and thermodynamic stability) has been performed for this missense variant. However, the output from this modeling did not meet the statistical confidence thresholds required to predict the impact of this variant on RTTN protein function. In summary, the available evidence is currently insufficient to determine the role of this variant in disease. Therefore, it has been classified as a Variant of Uncertain Significance.

Ambry Genetics
Classification: Uncertain significance for Inborn genetic diseases. Last evaluated: 2024-11-15. Review status: criteria provided, single submitter. Criteria: Ambry Variant Classification Scheme 2023. Collection method: clinical testing. Allele origin: germline.